The following is an entry in ClinVar:

NM_001004334.4(GPR179):c.4726G>A (p.Glu1576Lys)

Gene: GPR179 (G protein-coupled receptor 179; minus strand). Cytogenetic location: 17q12.
Variant type: single nucleotide variant.
Coding change: c.4726G>A on transcript NM_001004334.4 (MANE Select); coding-DNA position 4726, G replaced by A.
Protein change: p.Glu1576Lys; replaces glutamic acid 1576 with lysine.
Molecular consequence: missense variant.
Genome position (GRCh38, 1-based): chr17:38,328,843, C>T on the plus strand (G>A on the coding strand, the complement: GPR179 is on the minus strand). VCF-style: chr17-38328843-C-T. GRCh37 (hg19) VCF-style: chr17-36484726-C-T.
Other names: short protein forms E1576K.
Identifiers: ClinVar variation 1368802 (VCV001368802.7), dbSNP rs769524989, ClinGen allele CA398876244.

ClinVar aggregate classification (germline): Uncertain significance (1 of 4 stars; one submission).

Submission:

Labcorp Genetics (formerly Invitae), Labcorp
Classification: Uncertain significance. Last evaluated: 2021-05-18. Review status: criteria provided, single submitter. Criteria: Invitae Variant Classification Sherloc (09022015). Collection method: clinical testing. Allele origin: germline.
Comment: In summary, the available evidence is currently insufficient to determine the role of this variant in disease. Therefore, it has been classified as a Variant of Uncertain Significance. Algorithms developed to predict the effect of missense changes on protein structure and function are either unavailable or do not agree on the potential impact of this missense change (SIFT: "Tolerated"; PolyPhen-2: "Possibly Damaging"; Align-GVGD: "Class C0"). This variant has not been reported in the literature in individuals with GPR179-related conditions. This variant is not present in population databases (ExAC no frequency). This sequence change replaces glutamic acid with lysine at codon 1576 of the GPR179 protein (p.Glu1576Lys). The glutamic acid residue is weakly conserved and there is a small physicochemical difference between glutamic acid and lysine.